The following is an entry in ClinVar:

ClinVar aggregate classification (germline): Uncertain significance (1 of 4 stars; one submission).

Conditions:
Cardiomyopathy (CMYO). Also called: Cardiomyopathies. Identifiers: Orphanet 167848, MedGen C0878544, MONDO:0004994, HP:0001638. Inheritance: Various modes of inheritance.

Submission:

Color Diagnostics, LLC DBA Color Health
Classification: Uncertain significance for Cardiomyopathy. Last evaluated: 2024-11-04. Review status: criteria provided, single submitter. Criteria: ACMG Guidelines, 2015. Collection method: clinical testing. Allele origin: germline.
Comment: This missense variant replaces alanine with glycine at codon 2985 of the RYR2 protein. Computational prediction suggests that this variant may not impact protein structure and function. To our knowledge, functional studies have not been reported for this variant. This variant has not been reported in individuals affected with RYR2-related disorders in the literature. This variant has not been identified in the general population by the Genome Aggregation Database (gnomAD). The available evidence is insufficient to determine the role of this variant in disease conclusively. Therefore, this variant is classified as a Variant of Uncertain Significance.

NM_001035.3(RYR2):c.8954C>G (p.Ala2985Gly)

Gene: RYR2 (ryanodine receptor 2; plus strand). Cytogenetic location: 1q43.
Variant type: single nucleotide variant.
Coding change: c.8954C>G on transcript NM_001035.3 (MANE Select); coding-DNA position 8954, C replaced by G.
Protein change: p.Ala2985Gly; replaces alanine 2985 with glycine.
Molecular consequence: missense variant.
Genome position (GRCh38, 1-based): chr1:237,680,514, C>G. VCF-style: chr1-237680514-C-G. GRCh37 (hg19) VCF-style: chr1-237843814-C-G.
Other names: short protein forms A2985G.
Identifiers: ClinVar variation 3894151 (VCV003894151.1).